The following is an entry in ClinVar:

ClinVar aggregate classification (germline): Uncertain significance. Review status: criteria provided, multiple submitters, no conflicts (2 of 4 stars). 2 submissions from 2 submitters: Uncertain significance (2). Last evaluated 2024-11-23.

Conditions:
Familial thoracic aortic aneurysm and aortic dissection (TAAD). Also called: Thoracic aortic aneurysms and dissections. Identifiers: Orphanet 91387, MedGen C4707243, MONDO:0019625.
Aortic aneurysm, familial thoracic 4 (AAT4). Also called: AORTIC ANEURYSM/AORTIC DISSECTION AND PATENT DUCTUS ARTERIOSUS. Identifiers: MedGen C1851504, MONDO:0007568, OMIM 132900.

Submissions (2):

Labcorp Genetics (formerly Invitae), Labcorp
Classification: Uncertain significance for Aortic aneurysm, familial thoracic 4. Last evaluated: 2024-11-23. Review status: criteria provided, single submitter. Criteria: Invitae Variant Classification Sherloc (09022015). Collection method: clinical testing. Allele origin: germline.
Comment: This sequence change replaces alanine, which is neutral and non-polar, with glycine, which is neutral and non-polar, at codon 1671 of the MYH11 protein (p.Ala1671Gly). This variant is not present in population databases (gnomAD no frequency). This variant has not been reported in the literature in individuals affected with MYH11-related conditions. ClinVar contains an entry for this variant (Variation ID: 1744601). Invitae Evidence Modeling of protein sequence and biophysical properties (such as structural, functional, and spatial information, amino acid conservation, physicochemical variation, residue mobility, and thermodynamic stability) indicates that this missense variant is not expected to disrupt MYH11 protein function with a negative predictive value of 95%. In summary, the available evidence is currently insufficient to determine the role of this variant in disease. Therefore, it has been classified as a Variant of Uncertain Significance.

Ambry Genetics
Classification: Uncertain significance for Familial thoracic aortic aneurysm and aortic dissection. Last evaluated: 2022-01-07. Review status: criteria provided, single submitter. Criteria: Ambry Variant Classification Scheme 2023. Collection method: clinical testing. Allele origin: germline.
Comment: The p.A1664G variant (also known as c.4991C>G), located in coding exon 34 of the MYH11 gene, results from a C to G substitution at nucleotide position 4991. The alanine at codon 1664 is replaced by glycine, an amino acid with similar properties. This amino acid position is conserved. In addition, the in silico prediction for this alteration is inconclusive. Since supporting evidence is limited at this time, the clinical significance of this alteration remains unclear.

NM_002474.3(MYH11):c.4991C>G (p.Ala1664Gly)

Genes: MYH11 (myosin heavy chain 11; minus strand), NDE1 (nudE neurodevelopment protein 1; plus strand). Cytogenetic location: 16p13.11.
Variant type: single nucleotide variant.
Coding change: c.4991C>G on transcript NM_002474.3 (MANE Select); coding-DNA position 4991, C replaced by G.
Protein change: p.Ala1664Gly; replaces alanine 1664 with glycine.
Molecular consequence: missense variant. On other transcripts: intron variant (2).
Genome position (GRCh38, 1-based): chr16:15,719,676, G>C on the plus strand (C>G on the coding strand, the complement: MYH11 is on the minus strand). VCF-style: chr16-15719676-G-C. GRCh37 (hg19) VCF-style: chr16-15813533-G-C.
Other names: c.5012C>G, p.Ala1671Gly (NM_001040113.2, NM_001040114.2); c.4991C>G, p.Ala1664Gly (NM_022844.3); c.948-4515G>C (NM_001143979.2, NM_017668.3); short protein forms A1671G, A1664G.
Identifiers: ClinVar variation 1744601 (VCV001744601.4), dbSNP rs2040362704, ClinGen allele CA394851766.